The following is an entry in ClinVar:

NM_001161352.2(KCNMA1):c.2015+5G>C

Gene: KCNMA1 (potassium calcium-activated channel subfamily M alpha 1; minus strand). Cytogenetic location: 10q22.3.
Variant type: single nucleotide variant.
Coding change: c.2015+5G>C on transcript NM_001161352.2 (MANE Select); 5 bases into the intron after coding-DNA position 2015, G replaced by C.
Molecular consequence: intron variant.
Genome position (GRCh38, 1-based): chr10:77,019,008, C>G on the plus strand (G>C on the coding strand, the complement: KCNMA1 is on the minus strand). VCF-style: chr10-77019008-C-G. GRCh37 (hg19) VCF-style: chr10-78778766-C-G.
Other names: c.1865+5G>C (NM_001271518.2); c.2015+5G>C (NM_001322832.2, NM_001322829.2, NM_002247.4 and 3 more transcripts); c.2027+5G>C (NM_001014797.3, NM_001322835.2, NM_001322830.2 and 1 more transcripts); c.1475+5G>C (NM_001322838.2).
Identifiers: ClinVar variation 300961 (VCV000300961.13), dbSNP rs746586408, ClinGen allele CA5568265.

ClinVar aggregate classification (germline): Uncertain significance. Review status: criteria provided, multiple submitters, no conflicts (2 of 4 stars). 3 submissions from 3 submitters: Uncertain significance (3). Last evaluated 2025-08-04.

Conditions:
Generalized epilepsy-paroxysmal dyskinesia syndrome (PNKD3). Also called: Generalized epilepsy and paroxysmal dyskinesia; Paroxysmal nonkinesigenic dyskinesia, 3, with or without generalized epilepsy. Identifiers: Orphanet 79137, MedGen C5574945, MONDO:0012276, OMIM 609446.

Allele frequency attached by ClinVar (database versions not stated): gnomAD exomes 0.00003 and 0.00004; gnomAD 0.00005; ExAC 0.00003; TOPMed 0.00005.
gnomAD v4.1: 63 of 1,522,998 alleles (0.0041%); highest among the groups gnomAD compares: Non-Finnish European, 0.0052%; no homozygotes.

Submissions (3):

GeneDx
Classification: Uncertain significance. Last evaluated: 2025-08-04. Review status: criteria provided, single submitter. Criteria: GeneDx Variant Classification Process June 2021. Collection method: clinical testing. Allele origin: germline.
Comment: In silico analysis supports a deleterious effect on splicing; Has not been previously published as pathogenic or benign to our knowledge

Labcorp Genetics (formerly Invitae), Labcorp
Classification: Uncertain significance for Generalized epilepsy-paroxysmal dyskinesia syndrome. Last evaluated: 2024-08-27. Review status: criteria provided, single submitter. Criteria: Invitae Variant Classification Sherloc (09022015). Collection method: clinical testing. Allele origin: germline.
Comment: This sequence change falls in intron 17 of the KCNMA1 gene. It does not directly change the encoded amino acid sequence of the KCNMA1 protein. It affects a nucleotide within the consensus splice site. This variant is present in population databases (rs746586408, gnomAD 0.009%). This variant has not been reported in the literature in individuals affected with KCNMA1-related conditions. ClinVar contains an entry for this variant (Variation ID: 300961). Variants that disrupt the consensus splice site are a relatively common cause of aberrant splicing (PMID: 17576681, 9536098). Algorithms developed to predict the effect of sequence changes on RNA splicing suggest that this variant is not likely to affect RNA splicing. In summary, the available evidence is currently insufficient to determine the role of this variant in disease. Therefore, it has been classified as a Variant of Uncertain Significance.

Illumina Laboratory Services, Illumina
Classification: Uncertain significance for Generalized epilepsy-paroxysmal dyskinesia syndrome. Last evaluated: 2018-01-12. Review status: criteria provided, single submitter. Criteria: ICSL Variant Classification Criteria 13 December 2019. Collection method: clinical testing. Allele origin: germline.

Literature cited by the submitters: PubMed 17576681 (cited by Labcorp Genetics (formerly Invitae), Labcorp); PubMed 9536098 (cited by Labcorp Genetics (formerly Invitae), Labcorp).